The following is an entry in ClinVar:

NM_001330078.2(NRXN1):c.2585C>T (p.Pro862Leu)

Gene: NRXN1 (neurexin 1; minus strand). Cytogenetic location: 2p16.3.
Variant type: single nucleotide variant.
Coding change: c.2585C>T on transcript NM_001330078.2 (MANE Select); coding-DNA position 2585, C replaced by T.
Protein change: p.Pro862Leu; replaces proline 862 with leucine.
Molecular consequence: missense variant.
Genome position (GRCh38, 1-based): chr2:50,497,627, G>A on the plus strand (C>T on the coding strand, the complement: NRXN1 is on the minus strand). VCF-style: chr2-50497627-G-A. GRCh37 (hg19) VCF-style: chr2-50724765-G-A.
Other names: c.2705C>T, p.Pro902Leu (NM_001135659.3); c.2561C>T, p.Pro854Leu (NM_001330077.2, NM_001330082.2); c.2519C>T, p.Pro840Leu (NM_001330083.2, NM_001330084.2); c.2558C>T, p.Pro853Leu (NM_001330085.2); c.2585C>T, p.Pro862Leu (NM_001330086.2, NM_004801.6); c.2474C>T, p.Pro825Leu (NM_001330087.2, NM_001330096.2); c.2504C>T, p.Pro835Leu (NM_001330088.2); c.2582C>T, p.Pro861Leu (NM_001330093.2); and 2 more; short protein forms P825L, P902L, P840L, P861L, P862L, P835L, P845L, P854L.
Identifiers: ClinVar variation 1348685 (VCV001348685.8), dbSNP rs776749848, ClinGen allele CA1654761.
Genomic context (GRCh38, chr2:50,497,627, plus strand): 5'-AGGTCAATGTATGCCATTCCATTAAATGTCAAGCTCTGCAGGTGTCCAATGAAGTTGGAG[G>A]GGACAGAAGAAAGATACCGTCGTTCTGTGATGATGCCAGTCTCTATGTTATGGAACTCCA-3'
Protein context (NP_001317007.1, residues 852-872): ITERRYLSSV[Pro862Leu]SNFIGHLQSL

ClinVar aggregate classification (germline): Uncertain significance. Review status: criteria provided, multiple submitters, no conflicts (2 of 4 stars). 2 submissions from 2 submitters: Uncertain significance (2). Last evaluated 2025-09-02.

Conditions:
Pitt-Hopkins-like syndrome 2 (PTHSL2). Identifiers: Orphanet 221150, Orphanet 600663, MedGen C3280479, MONDO:0013690, OMIM 614325.
Inborn genetic diseases. Identifiers: MedGen C0950123, MeSH D030342.

Allele frequency attached by ClinVar (database versions not stated): TOPMed below 0.00001; ExAC 0.00001; gnomAD exomes 0.00001.
gnomAD v4.1: 4 of 1,613,864 alleles (0.00025%); highest among the groups gnomAD compares: Admixed American, 0.0033%; no homozygotes.

Submissions (2):

Labcorp Genetics (formerly Invitae), Labcorp
Classification: Uncertain significance for Pitt-Hopkins-like syndrome 2. Last evaluated: 2025-09-02. Review status: criteria provided, single submitter. Criteria: Invitae Variant Classification Sherloc (09022015). Collection method: clinical testing. Allele origin: germline.
Comment: This sequence change replaces proline, which is neutral and non-polar, with leucine, which is neutral and non-polar, at codon 902 of the NRXN1 protein (p.Pro902Leu). This variant is present in population databases (rs776749848, gnomAD 0.006%). This variant has not been reported in the literature in individuals affected with NRXN1-related conditions. ClinVar contains an entry for this variant (Variation ID: 1348685). Invitae Evidence Modeling of protein sequence and biophysical properties (such as structural, functional, and spatial information, amino acid conservation, physicochemical variation, residue mobility, and thermodynamic stability) indicates that this missense variant is not expected to disrupt NRXN1 protein function with a negative predictive value of 80%. In summary, the available evidence is currently insufficient to determine the role of this variant in disease. Therefore, it has been classified as a Variant of Uncertain Significance.

Ambry Genetics
Classification: Uncertain significance for Inborn genetic diseases. Last evaluated: 2017-12-15. Review status: criteria provided, single submitter. Criteria: Ambry Variant Classification Scheme 2023. Collection method: clinical testing. Allele origin: germline.
Comment: The p.P902L variant (also known as c.2705C>T), located in coding exon 14 of the NRXN1 gene, results from a C to T substitution at nucleotide position 2705. The proline at codon 902 is replaced by leucine, an amino acid with similar properties. This amino acid position is highly conserved in available vertebrate species. In addition, this alteration is predicted to be deleterious by in silico analysis. Since supporting evidence is limited at this time, the clinical significance of this alteration remains unclear.